The following is an entry in ClinVar:

ClinVar aggregate classification (germline): Likely benign (1 of 4 stars; one submission).

gnomAD v4.1: 32 of 1,379,686 alleles (0.0023%); highest among the groups gnomAD compares: South Asian, 0.022%; no homozygotes.

Submission:

CeGaT Center for Human Genetics Tuebingen
Classification: Likely benign. Last evaluated: 2024-12-01. Review status: criteria provided, single submitter. Criteria: CeGaT Center For Human Genetics Tuebingen Variant Classification Criteria Version 2. Collection method: clinical testing. Allele origin: germline. Affected: yes. Observed: 1 variant allele.
Comment: KRT10: BP4, BP7

NM_000421.5(KRT10):c.1545C>T (p.Gly515=)

Gene: KRT10 (keratin 10; minus strand). Cytogenetic location: 17q21.2.
Variant type: single nucleotide variant.
Coding change: c.1545C>T on transcript NM_000421.5 (MANE Select); coding-DNA position 1545, C replaced by T.
Protein change: p.Gly515=; no amino-acid change (glycine 515 retained).
Molecular consequence: synonymous variant.
Genome position (GRCh38, 1-based): chr17:40,818,990, G>A on the plus strand (C>T on the coding strand, the complement: KRT10 is on the minus strand). VCF-style: chr17-40818990-G-A. GRCh37 (hg19) VCF-style: chr17-38975242-G-A.
Other names: c.1545C>T, p.Gly515= (NM_001379366.1).
Identifiers: ClinVar variation 3771487 (VCV003771487.13).